The following is an entry in ClinVar:

ClinVar aggregate classification (germline): Uncertain significance. Review status: criteria provided, multiple submitters, no conflicts (2 of 4 stars). 2 submissions from 2 submitters: Uncertain significance (2). Last evaluated 2022-12-01.

Conditions:
Cardiovascular phenotype. Identifiers: MedGen CN230736.
RASopathy. Also called: Noonan spectrum disorder; rasopathies. Identifiers: Orphanet 536391, MedGen C5555857, MONDO:0021060.

Allele frequency attached by ClinVar (database versions not stated): gnomAD exomes below 0.00001; TOPMed below 0.00001.

Submissions (2):

Ambry Genetics
Classification: Uncertain significance for Cardiovascular phenotype. Last evaluated: 2022-12-01. Review status: criteria provided, single submitter. Criteria: Ambry Variant Classification Scheme 2023. Collection method: clinical testing. Allele origin: germline.
Comment: The p.I249T variant (also known as c.746T>C), located in coding exon 6 of the SOS1 gene, results from a T to C substitution at nucleotide position 746. The isoleucine at codon 249 is replaced by threonine, an amino acid with similar properties. This amino acid position is conserved. In addition, this alteration is predicted to be deleterious by in silico analysis. Since supporting evidence is limited at this time, the clinical significance of this alteration remains unclear.

Labcorp Genetics (formerly Invitae), Labcorp
Classification: Uncertain significance for RASopathy. Last evaluated: 2022-08-22. Review status: criteria provided, single submitter. Criteria: Invitae Variant Classification Sherloc (09022015). Collection method: clinical testing. Allele origin: germline.
Comment: Advanced modeling of protein sequence and biophysical properties (such as structural, functional, and spatial information, amino acid conservation, physicochemical variation, residue mobility, and thermodynamic stability) performed at Invitae indicates that this missense variant is expected to disrupt SOS1 protein function. ClinVar contains an entry for this variant (Variation ID: 543967). This missense change has been observed in individual(s) with clinical features of SOS1-related conditions (Invitae). This variant is present in population databases (no rsID available, gnomAD 0.003%). This sequence change replaces isoleucine, which is neutral and non-polar, with threonine, which is neutral and polar, at codon 249 of the SOS1 protein (p.Ile249Thr). In summary, the available evidence is currently insufficient to determine the role of this variant in disease. Therefore, it has been classified as a Variant of Uncertain Significance.

NM_005633.4(SOS1):c.746T>C (p.Ile249Thr)

Gene: SOS1 (SOS Ras/Rac guanine nucleotide exchange factor 1; minus strand). Cytogenetic location: 2p22.1.
Variant type: single nucleotide variant.
Coding change: c.746T>C on transcript NM_005633.4 (MANE Select); coding-DNA position 746, T replaced by C.
Protein change: p.Ile249Thr; replaces isoleucine 249 with threonine.
Molecular consequence: missense variant.
Genome position (GRCh38, 1-based): chr2:39,051,262, A>G on the plus strand (T>C on the coding strand, the complement: SOS1 is on the minus strand). VCF-style: chr2-39051262-A-G. GRCh37 (hg19) VCF-style: chr2-39278403-A-G.
Other names: c.725T>C, p.Ile242Thr (NM_001382394.1); c.746T>C, p.Ile249Thr (NM_001382395.1); short protein forms I249T, I242T.
Identifiers: ClinVar variation 543967 (VCV000543967.10), dbSNP rs1324979194, ClinGen allele CA346367803.